The following is an entry in ClinVar:

NM_000284.4(PDHA1):c.57+2505C>G

Gene: PDHA1 (pyruvate dehydrogenase E1 subunit alpha 1; plus strand). Cytogenetic location: Xp22.12.
Variant type: single nucleotide variant.
Coding change: c.57+2505C>G on transcript NM_000284.4 (MANE Select); 2505 bases into the intron after coding-DNA position 57, C replaced by G.
Molecular consequence: intron variant. On other transcripts: nonsense (1).
Genome position (GRCh38, 1-based): chrX:19,346,599, C>G. VCF-style: chrX-19346599-C-G. GRCh37 (hg19) VCF-style: chrX-19364717-C-G.
Other names: c.147C>G, p.Tyr49Ter (NM_001173454.2); c.57+2505C>G (NM_001173455.2, NM_001173456.2); short protein forms Y49*.
Identifiers: ClinVar variation 1806206 (VCV001806206.1), dbSNP rs747051654, ClinGen allele CA10362974.

ClinVar aggregate classification (germline): Uncertain significance (1 of 4 stars; one submission).

Conditions:
Pyruvate dehydrogenase E1-alpha deficiency (PDHAD). Also called: ATAXIA, INTERMITTENT, WITH PYRUVATE DEHYDROGENASE DEFICIENCY; ATAXIA WITH LACTIC ACIDOSIS I; ATAXIA, INTERMITTENT, WITH ABNORMAL PYRUVATE METABOLISM; Ataxia, intermittent, with pyruvate dehydrogenase, or decarboxylase, deficiency. Identifiers: Orphanet 79243, MedGen C1839413, MONDO:0010717, OMIM 312170.

Allele frequency attached by ClinVar (database versions not stated): ExAC 0.00027.
gnomAD v4.1: 25 of 963,384 alleles (0.0026%); highest among the groups gnomAD compares: South Asian, 0.079%; no homozygotes.

Submission:

Victorian Clinical Genetics Services, Murdoch Childrens Research Institute
Classification: Uncertain significance for Pyruvate dehydrogenase E1-alpha deficiency. Last evaluated: 2021-05-06. Review status: criteria provided, single submitter. Criteria: ACMG Guidelines, 2015. Collection method: clinical testing. Allele origin: germline. Inheritance: X-linked dominant inheritance.
Comment: Based on the classification scheme VCGS_Germline_v1.3.4, this variant is classified as VUS - 3B. Following criteria are met: 0102 - Loss of function is a known mechanism of disease in this gene and is associated with pyruvate dehydrogenase E1-alpha deficiency (MIM# 312170). (I) 0110 - This gene is associated with X-linked dominant disease. (I) 0202 - Variant is predicted to cause nonsense-mediated decay (NMD) and loss of protein (premature termination codon is located at least 54 nucleotides upstream of the final exon-exon junction), but is located in an exon that may undergo alternative splicing. (N) 0219 - This variant is non-coding in all other alternative transcripts (UCSC, NCBI). (I) 0251 - This variant is heterozygous. (I) 0302 - Variant is present in gnomAD (v2) <0.001 for a dominant condition (0 heterozygotes, 0 homozygotes, 1 hemizygote). (SP) 0309 - An alternative frameshift variant that creates a premature stop in the same exon (p.(His51Serfs*4)), has been observed in gnomAD (v3) (5 heterozygotes, 0 homozygotes, 7 hemizygotes). (I) 0807 - This variant has no previous evidence of pathogenicity. (I) 0905 - No published segregation evidence has been identified for this variant. (I) 1007 - No published functional evidence has been identified for this variant. (I) Legend: (SP) - Supporting pathogenic, (I) - Information, (SB) - Supporting benign